The following is an entry in ClinVar:

ClinVar aggregate classification (germline): Uncertain significance. Review status: criteria provided, multiple submitters, no conflicts (2 of 4 stars). 2 submissions from 2 submitters: Uncertain significance (2). Last evaluated 2023-11-14.

Submissions (2):

GeneDx
Classification: Uncertain significance. Last evaluated: 2023-11-14. Review status: criteria provided, single submitter. Criteria: GeneDx Variant Classification Process June 2021. Collection method: clinical testing. Allele origin: germline. Affected: yes.
Comment: Not observed at significant frequency in large population cohorts (gnomAD); In silico analysis supports that this missense variant has a deleterious effect on protein structure/function; Has not been previously published as pathogenic or benign to our knowledge

Blueprint Genetics
Classification: Uncertain significance. Last evaluated: 2018-07-11. Review status: criteria provided, single submitter. Criteria: ACMG Guidelines, 2015. Collection method: clinical testing. Allele origin: germline.

NM_004006.3(DMD):c.4980G>T (p.Trp1660Cys)

Gene: DMD (dystrophin; minus strand). Cytogenetic location: Xp21.1.
Variant type: single nucleotide variant.
Coding change: c.4980G>T on transcript NM_004006.3 (MANE Select); coding-DNA position 4980, G replaced by T.
Protein change: p.Trp1660Cys; replaces tryptophan 1660 with cysteine.
Molecular consequence: missense variant.
Genome position (GRCh38, 1-based): chrX:32,365,065, C>A on the plus strand (G>T on the coding strand, the complement: DMD is on the minus strand). VCF-style: chrX-32365065-C-A. GRCh37 (hg19) VCF-style: chrX-32383182-C-A.
Other names: c.4956G>T, p.Trp1652Cys (NM_000109.4); c.4968G>T, p.Trp1656Cys (NM_004009.3); c.4611G>T, p.Trp1537Cys (NM_004010.3); c.957G>T, p.Trp319Cys (NM_004011.4); c.948G>T, p.Trp316Cys (NM_004012.4); short protein forms W1537C, W1652C, W1656C, W1660C, W316C, W319C.
Identifiers: ClinVar variation 3364290 (VCV003364290.2).